The following is an entry in ClinVar:

NM_000078.3(CETP):c.1018G>A (p.Val340Ile)

Gene: CETP (cholesteryl ester transfer protein; plus strand). Cytogenetic location: 16q13.
Variant type: single nucleotide variant.
Coding change: c.1018G>A on transcript NM_000078.3 (MANE Select); coding-DNA position 1018, G replaced by A.
Protein change: p.Val340Ile; replaces valine 340 with isoleucine.
Molecular consequence: missense variant.
Genome position (GRCh38, 1-based): chr16:56,978,127, G>A. VCF-style: chr16-56978127-G-A. GRCh37 (hg19) VCF-style: chr16-57012039-G-A.
Other names: c.838G>A, p.Val280Ile (NM_001286085.2); short protein forms V280I, V340I.
Identifiers: ClinVar variation 1405295 (VCV001405295.8), dbSNP rs141310739, ClinGen allele CA8071200.

ClinVar aggregate classification (germline): Uncertain significance. Review status: criteria provided, multiple submitters, no conflicts (2 of 4 stars). 3 submissions from 3 submitters: Uncertain significance (3). Last evaluated 2025-11-13.

Conditions:
Hyperalphalipoproteinemia 1 (HALP1). Also called: CETP-Related Hyperalphalipoproteinemia; CETP DEFICIENCY. Identifiers: MedGen C3149462, OMIM 143470.

Allele frequency attached by ClinVar (database versions not stated): ESP Exome Variant Server 0.00015; gnomAD 0.00017 and 0.00019; TOPMed 0.00017.
gnomAD v4.1: 183 of 1,614,102 alleles (0.011%); highest among the groups gnomAD compares: Admixed American, 0.02%; no homozygotes.

Submissions (3):

Labcorp Genetics (formerly Invitae), Labcorp
Classification: Uncertain significance. Last evaluated: 2025-11-13. Review status: criteria provided, single submitter. Criteria: Invitae Variant Classification Sherloc (09022015). Collection method: clinical testing. Allele origin: germline.
Comment: This sequence change replaces valine, which is neutral and non-polar, with isoleucine, which is neutral and non-polar, at codon 340 of the CETP protein (p.Val340Ile). This variant is present in population databases (rs141310739, gnomAD 0.01%). This variant has not been reported in the literature in individuals affected with CETP-related conditions. ClinVar contains an entry for this variant (Variation ID: 1405295). Invitae Evidence Modeling of protein sequence and biophysical properties (such as structural, functional, and spatial information, amino acid conservation, physicochemical variation, residue mobility, and thermodynamic stability) indicates that this missense variant is not expected to disrupt CETP protein function with a negative predictive value of 80%. Experimental studies have shown that this missense change does not substantially affect CETP function (PMID: 38039300). In summary, the available evidence is currently insufficient to determine the role of this variant in disease. Therefore, it has been classified as a Variant of Uncertain Significance.

Fulgent Genetics
Classification: Uncertain significance for Hyperalphalipoproteinemia 1. Last evaluated: 2021-10-21. Review status: criteria provided, single submitter. Criteria: ACMG Guidelines, 2015. Collection method: clinical testing. Allele origin: unknown.

Breakthrough Genomics
Classification: Uncertain significance. Review status: criteria provided, single submitter. Criteria: ACMG Guidelines, 2015. Collection method: not provided. Allele origin: germline. Inheritance: Autosomal dominant inheritance. Affected: yes.

Literature cited by the submitters: PubMed 38039300 (cited by Labcorp Genetics (formerly Invitae), Labcorp).